The following is an entry in ClinVar:

ClinVar aggregate classification (germline): Uncertain significance. Review status: reviewed by expert panel (3 of 4 stars). 4 submissions from 4 submitters: Uncertain significance (1). 3 of the submissions do not count toward it. Last evaluated 2026-07-20.

Conditions:
GALT-related disorder. Also called: GALT-related condition.
Deficiency of UDPglucose-hexose-1-phosphate uridylyltransferase. Also called: GALT deficiency; Galactosemia, classic; GALACTOSEMIA I; GALACTOSE-1-PHOSPHATE URIDYLYLTRANSFERASE DEFICIENCY; Transferase Deficiency Galactosemia. Identifiers: Orphanet 352, Orphanet 79239, MedGen C0268151, MONDO:0009258, OMIM 230400.
Galactosemia. Also called: Galactose intolerance. Identifiers: Orphanet 352, MedGen C0016952, MONDO:0018116, HP:0004919. Disease mechanism: loss of function.

Allele frequency attached by ClinVar (database versions not stated): gnomAD exomes 0.00001 and 0.00002; gnomAD 0.00003 and 0.00004; TOPMed 0.00004.
gnomAD v4.1: 20 of 1,614,016 alleles (0.0012%); highest among the groups gnomAD compares: Middle Eastern, 0.033%; no homozygotes.

Submissions (4):

Clingen Galactosemia Variant Curation Expert Panel, ClinGen
Classification: Uncertain significance for Galactosemia. Last evaluated: 2026-07-20. Review status: reviewed by expert panel. Criteria: ClinGen Galactosemia ACMG Specifications GALT V1.1. Collection method: curation. Allele origin: germline. Inheritance: Autosomal recessive inheritance.
Comment: The c.291C>T variant is a synonymous (silent) variant that the computational splicing predictor SpliceAI gives a delta score of 0.2 for acceptor gain; however, the acceptor gain prediction is the canonical acceptor (PP3). The filtering allele frequency of the c.270T>C variant in GALT is 0.00006614 for Admixed American chromosomes by gnomAD v4.1.1, which is lower than the ClinGen Galactosemia threshold (≤ 0.0005) for PM2_Supporting, and therefore meets this criterion (PM2_Supporting). In summary, this variant meets the criteria to be classified as variant of uncertain significance for galactosemia based on the ACMG/AMP criteria applied, as specified by the ClinGen Galactosemia VCEP: PM2_Supporting, PP3

Labcorp Genetics (formerly Invitae), Labcorp
Classification: Likely benign for Deficiency of UDPglucose-hexose-1-phosphate uridylyltransferase. Last evaluated: 2024-03-12. Review status: criteria provided, single submitter. Criteria: Invitae Variant Classification Sherloc (09022015). Collection method: clinical testing. Allele origin: germline. Not counted in ClinVar's aggregate classification.

Illumina Laboratory Services, Illumina
Classification: Uncertain significance for Deficiency of UDPglucose-hexose-1-phosphate uridylyltransferase. Last evaluated: 2018-01-12. Review status: criteria provided, single submitter. Criteria: ICSL Variant Classification Criteria 13 December 2019. Collection method: clinical testing. Allele origin: germline. Not counted in ClinVar's aggregate classification.

PreventionGenetics, part of Exact Sciences
Classification: Likely benign for GALT-related condition. Last evaluated: 2019-09-05. Review status: no assertion criteria provided. Collection method: clinical testing. Allele origin: germline. Not counted in ClinVar's aggregate classification.
Comment: This variant is classified as likely benign based on ACMG/AMP sequence variant interpretation guidelines (Richards et al. 2015 PMID: 25741868, with internal and published modifications).

NM_000155.4(GALT):c.270T>C (p.Asp90=)

Gene: GALT (galactose-1-phosphate uridylyltransferase; plus strand). Cytogenetic location: 9p13.3.
Variant type: single nucleotide variant.
Coding change: c.270T>C on transcript NM_000155.4 (MANE Select); coding-DNA position 270, T replaced by C.
Protein change: p.Asp90=; no amino-acid change (aspartic acid 90 retained).
Molecular consequence: synonymous variant. On other transcripts: intron variant (1).
Genome position (GRCh38, 1-based): chr9:34,647,509, T>C. VCF-style: chr9-34647509-T-C. GRCh37 (hg19) VCF-style: chr9-34647506-T-C.
Other names: NM_000155.4(GALT):c.270T>C; p.Asp90=; c.50+251T>C (NM_001258332.2).
Identifiers: ClinVar variation 913656 (VCV000913656.16), dbSNP rs1300102277, ClinGen allele CA464595620.